The following is an entry in ClinVar:

NM_001369369.1(FOXN1):c.1327C>T (p.Leu443Phe)

Gene: FOXN1 (forkhead box N1; plus strand). Cytogenetic location: 17q11.2.
Variant type: single nucleotide variant.
Coding change: c.1327C>T on transcript NM_001369369.1 (MANE Select); coding-DNA position 1327, C replaced by T.
Protein change: p.Leu443Phe; replaces leucine 443 with phenylalanine.
Molecular consequence: missense variant.
Genome position (GRCh38, 1-based): chr17:28,534,898, C>T. VCF-style: chr17-28534898-C-T. GRCh37 (hg19) VCF-style: chr17-26861916-C-T.
Other names: c.1327C>T, p.Leu443Phe (NM_003593.3); short protein forms L443F.
Identifiers: ClinVar variation 834588 (VCV000834588.1), dbSNP rs767045447, ClinGen allele CA8459502.

ClinVar aggregate classification (germline): Uncertain significance (1 of 4 stars; one submission).

Conditions:
T-cell immunodeficiency, congenital alopecia, and nail dystrophy. Also called: Congenital alopecia and nail dystrophy associated with severe functional T-cell immunodeficiency; Pignata Guarino syndrome. Identifiers: Orphanet 169095, MedGen C1866426, MONDO:0011132, OMIM 601705.

Allele frequency attached by ClinVar (database versions not stated): TOPMed below 0.00001; gnomAD exomes 0.00001; ExAC 0.00002.

Submission:

Labcorp Genetics (formerly Invitae), Labcorp
Classification: Uncertain significance for T-cell immunodeficiency, congenital alopecia and nail dystrophy. Last evaluated: 2019-05-14. Review status: criteria provided, single submitter. Criteria: Invitae Variant Classification Sherloc (09022015). Collection method: clinical testing. Allele origin: germline.
Comment: This sequence change replaces leucine with phenylalanine at codon 443 of the FOXN1 protein (p.Leu443Phe). The leucine residue is moderately conserved and there is a small physicochemical difference between leucine and phenylalanine. This variant is present in population databases (rs767045447, ExAC 0.01%). This variant has not been reported in the literature in individuals with FOXN1-related conditions. Algorithms developed to predict the effect of missense changes on protein structure and function output the following: SIFT: "Tolerated"; PolyPhen-2: "Benign"; Align-GVGD: "Class C0". The phenylalanine amino acid residue is found in multiple mammalian species, suggesting that this missense change does not adversely affect protein function. These predictions have not been confirmed by published functional studies and their clinical significance is uncertain. In summary, the available evidence is currently insufficient to determine the role of this variant in disease. Therefore, it has been classified as a Variant of Uncertain Significance.